The following is an entry in ClinVar:

NM_004183.4(BEST1):c.815T>C (p.Val272Ala)

Gene: BEST1 (bestrophin 1; plus strand). Cytogenetic location: 11q12.3.
Variant type: single nucleotide variant.
Coding change: c.815T>C on transcript NM_004183.4 (MANE Select); coding-DNA position 815, T replaced by C.
Protein change: p.Val272Ala; replaces valine 272 with alanine.
Molecular consequence: missense variant. On other transcripts: non-coding transcript variant (1).
Genome position (GRCh38, 1-based): chr11:61,958,246, T>C. VCF-style: chr11-61958246-T-C. GRCh37 (hg19) VCF-style: chr11-61725718-T-C.
Other names: c.635T>C, p.Val212Ala (NM_001139443.3, NM_001300786.2, NM_001300787.2); c.497T>C, p.Val166Ala (NM_001363591.3); c.815T>C, p.Val272Ala (NM_001363592.2); c.-361T>C (NM_001363593.3); short protein forms V166A, V212A, V272A.
Identifiers: ClinVar variation 865929 (VCV000865929.5), dbSNP rs536333519, ClinGen allele CA6040860.

ClinVar aggregate classification (germline): Uncertain significance. Review status: criteria provided, multiple submitters, no conflicts (2 of 4 stars). 2 submissions from 2 submitters: Uncertain significance (2). Last evaluated 2025-05-05.

Allele frequency attached by ClinVar (database versions not stated): gnomAD exomes below 0.00001; ExAC 0.00001; gnomAD 0.00001; 1000 Genomes Project 0.00020; 1000 Genomes Project 30x 0.00031.
gnomAD v4.1: 3 of 1,614,228 alleles (0.00019%); highest among the groups gnomAD compares: East Asian, 0.0022%; no homozygotes.

Submissions (2):

Labcorp Genetics (formerly Invitae), Labcorp
Classification: Uncertain significance. Last evaluated: 2025-05-05. Review status: criteria provided, single submitter. Criteria: Invitae Variant Classification Sherloc (09022015). Collection method: clinical testing. Allele origin: germline.
Comment: This sequence change replaces valine, which is neutral and non-polar, with alanine, which is neutral and non-polar, at codon 272 of the BEST1 protein (p.Val272Ala). This variant is present in population databases (rs536333519, gnomAD 0.0009%). This variant has not been reported in the literature in individuals affected with BEST1-related conditions. ClinVar contains an entry for this variant (Variation ID: 865929). Invitae Evidence Modeling of protein sequence and biophysical properties (such as structural, functional, and spatial information, amino acid conservation, physicochemical variation, residue mobility, and thermodynamic stability) indicates that this missense variant is expected to disrupt BEST1 protein function with a positive predictive value of 95%. In summary, the available evidence is currently insufficient to determine the role of this variant in disease. Therefore, it has been classified as a Variant of Uncertain Significance.

Blueprint Genetics
Classification: Uncertain significance. Last evaluated: 2019-05-11. Review status: criteria provided, single submitter. Criteria: ACMG Guidelines, 2015. Collection method: clinical testing. Allele origin: germline.